The following is an entry in ClinVar:

ClinVar aggregate classification (germline): Likely benign (1 of 4 stars; one submission).

Allele frequency attached by ClinVar (database versions not stated): ExAC 0.00001; gnomAD 0.00002; gnomAD exomes 0.00002.

Submission:

CeGaT Center for Human Genetics Tuebingen
Classification: Likely benign. Last evaluated: 2023-10-01. Review status: criteria provided, single submitter. Criteria: CeGaT Center For Human Genetics Tuebingen Variant Classification Criteria Version 2. Collection method: clinical testing. Allele origin: germline. Affected: yes. Observed: 1 variant allele.
Comment: TANC2: BP4, BP7

NM_001394998.1(TANC2):c.5565G>A (p.Pro1855=)

Gene: TANC2 (tetratricopeptide repeat, ankyrin repeat and coiled-coil containing 2; plus strand). Cytogenetic location: 17q23.3.
Variant type: single nucleotide variant.
Coding change: c.5565G>A on transcript NM_001394998.1 (MANE Select); coding-DNA position 5565, G replaced by A.
Protein change: p.Pro1855=; no amino-acid change (proline 1855 retained).
Molecular consequence: synonymous variant.
Genome position (GRCh38, 1-based): chr17:63,421,295, G>A. VCF-style: chr17-63421295-G-A. GRCh37 (hg19) VCF-style: chr17-61498656-G-A.
Other names: c.5343G>A, p.Pro1781= (NM_001411076.1); c.5313G>A, p.Pro1771= (NM_025185.4).
Identifiers: ClinVar variation 2648071 (VCV002648071.24), dbSNP rs752546063, ClinGen allele CA8698471.